The following is an entry in ClinVar:

NM_001378120.1(MBD5):c.-826A>G

Gene: MBD5 (methyl-CpG binding domain protein 5; plus strand). Cytogenetic location: 2q23.1.
Variant type: single nucleotide variant.
Coding change: c.-826A>G on transcript NM_001378120.1 (MANE Select); 826 bases upstream of the start codon, A replaced by G.
Molecular consequence: 5 prime UTR variant.
Genome position (GRCh38, 1-based): chr2:148,233,249, A>G. VCF-style: chr2-148233249-A-G. GRCh37 (hg19) VCF-style: chr2-148990818-A-G.
Other names: c.-826A>G (NM_018328.5).
Identifiers: ClinVar variation 511202 (VCV000511202.1), dbSNP rs1050579064, ClinGen allele CA58214193.

ClinVar aggregate classification (germline): Likely benign (1 of 4 stars; one submission).

Allele frequency attached by ClinVar (database versions not stated): gnomAD 0.00002 and 0.00003; TOPMed 0.00003.
gnomAD v4.1: 3 of 152,230 alleles (0.002%); highest among the groups gnomAD compares: African/African-American, 0.0072%; no homozygotes.

Submission:

GeneDx
Classification: Likely benign. Last evaluated: 2017-08-02. Review status: criteria provided, single submitter. Criteria: GeneDx Variant Classification (06012015). Collection method: clinical testing. Allele origin: germline. Affected: yes.
Comment: This variant is considered likely benign or benign based on one or more of the following criteria: it is a conservative change, it occurs at a poorly conserved position in the protein, it is predicted to be benign by multiple in silico algorithms, and/or has population frequency not consistent with disease.